The following is an entry in ClinVar:

ClinVar aggregate classification (germline): Benign. Review status: criteria provided, multiple submitters, no conflicts (2 of 4 stars). 3 submissions from 3 submitters: Benign (2). 1 of the submissions does not count toward it. Last evaluated 2026-02-03.

Conditions:
AP3B2-related disorder. Also called: AP3B2-related condition.

Allele frequency attached by ClinVar (database versions not stated): gnomAD exomes 0.00132 and 0.00332; ExAC 0.00396; gnomAD 0.01187 and 0.01270; TOPMed 0.01333; 1000 Genomes Project 0.01338; ESP Exome Variant Server 0.01380; 1000 Genomes Project 30x 0.01483.
gnomAD v4.1: 3,819 of 1,613,920 alleles (0.24%); highest among the groups gnomAD compares: African/African-American, 4.2%; 79 homozygotes.

Submissions (3):

Labcorp Genetics (formerly Invitae), Labcorp
Classification: Benign. Last evaluated: 2026-02-03. Review status: criteria provided, single submitter. Criteria: Invitae Variant Classification Sherloc (09022015). Collection method: clinical testing. Allele origin: germline.

Breakthrough Genomics
Classification: Benign. Review status: criteria provided, single submitter. Criteria: ACMG Guidelines, 2015. Collection method: not provided. Allele origin: germline. Inheritance: Autosomal recessive inheritance. Affected: yes.

PreventionGenetics, part of Exact Sciences
Classification: Benign for AP3B2-related condition. Last evaluated: 2019-06-26. Review status: no assertion criteria provided. Collection method: clinical testing. Allele origin: germline. Not counted in ClinVar's aggregate classification.
Comment: This variant is classified as benign based on ACMG/AMP sequence variant interpretation guidelines (Richards et al. 2015 PMID: 25741868, with internal and published modifications).

NM_001278512.2(AP3B2):c.723C>T (p.Ser241=)

Genes: AP3B2 (adaptor related protein complex 3 subunit beta 2; minus strand), CPEB1-AS1 (CPEB1 antisense RNA 1; plus strand). Cytogenetic location: 15q25.2.
Variant type: single nucleotide variant.
Coding change: c.723C>T on transcript NM_001278512.2 (MANE Select); coding-DNA position 723, C replaced by T.
Protein change: p.Ser241=; no amino-acid change (serine 241 retained).
Molecular consequence: synonymous variant.
Genome position (GRCh38, 1-based): chr15:82,680,885, G>A on the plus strand (C>T on the coding strand, the complement: AP3B2 is on the minus strand). VCF-style: chr15-82680885-G-A. GRCh37 (hg19) VCF-style: chr15-83349637-G-A.
Other names: c.627C>T, p.Ser209= (NM_001278511.2); c.723C>T, p.Ser241= (NM_004644.5).
Identifiers: ClinVar variation 710056 (VCV000710056.14), dbSNP rs34629393, ClinGen allele CA7700425.